The following is an entry in ClinVar:

ClinVar aggregate classification (germline): Uncertain significance. Review status: criteria provided, multiple submitters, no conflicts (2 of 4 stars). 2 submissions from 2 submitters: Uncertain significance (2). Last evaluated 2021-08-14.

Conditions:
Cardiovascular phenotype. Identifiers: MedGen CN230736.
Ehlers-Danlos syndrome, musculocontractural type (EDSMC). Also called: DUNDAR SYNDROME; Adducted thumb, clubfoot, progressive joint and skin laxity syndrome; ARTHROGRYPOSIS, DISTAL, WITH PECULIAR FACIES AND HYDRONEPHROSIS; ADDUCTED THUMB-CLUBFOOT SYNDROME. Identifiers: Orphanet 2953, MedGen C1866294, MONDO:0011142.

Allele frequency attached by ClinVar (database versions not stated): gnomAD exomes below 0.00001; ExAC 0.00002; gnomAD 0.00002.

Submissions (2):

Labcorp Genetics (formerly Invitae), Labcorp
Classification: Uncertain significance for Ehlers-Danlos syndrome, musculocontractural type. Last evaluated: 2021-08-14. Review status: criteria provided, single submitter. Criteria: Invitae Variant Classification Sherloc (09022015). Collection method: clinical testing. Allele origin: germline.
Comment: This sequence change replaces glycine with glutamic acid at codon 98 of the CHST14 protein (p.Gly98Glu). The glycine residue is moderately conserved and there is a moderate physicochemical difference between glycine and glutamic acid. This variant is present in population databases (rs770839880, ExAC 0.004%). This variant has not been reported in the literature in individuals affected with CHST14-related conditions. Algorithms developed to predict the effect of missense changes on protein structure and function output the following: SIFT: "Tolerated"; PolyPhen-2: "Benign"; Align-GVGD: "Class C0". The glutamic acid amino acid residue is found in multiple mammalian species, which suggests that this missense change does not adversely affect protein function. In summary, the available evidence is currently insufficient to determine the role of this variant in disease. Therefore, it has been classified as a Variant of Uncertain Significance.

Ambry Genetics
Classification: Uncertain significance for Cardiovascular phenotype. Last evaluated: 2021-04-16. Review status: criteria provided, single submitter. Criteria: Ambry Variant Classification Scheme 2023. Collection method: clinical testing. Allele origin: germline.
Comment: The p.G98E variant (also known as c.293G>A), located in coding exon 1 of the CHST14 gene, results from a G to A substitution at nucleotide position 293. The glycine at codon 98 is replaced by glutamic acid, an amino acid with similar properties. This amino acid position is not well conserved in available vertebrate species, and glutamic acid is the reference amino acid in other vertebrate species. In addition, this alteration is predicted to be tolerated by in silico analysis. Since supporting evidence is limited at this time, the clinical significance of this alteration remains unclear.

NM_130468.4(CHST14):c.293G>A (p.Gly98Glu)

Gene: CHST14 (carbohydrate sulfotransferase 14; plus strand). Cytogenetic location: 15q15.1.
Variant type: single nucleotide variant.
Coding change: c.293G>A on transcript NM_130468.4 (MANE Select); coding-DNA position 293, G replaced by A.
Protein change: p.Gly98Glu; replaces glycine 98 with glutamic acid.
Molecular consequence: missense variant.
Genome position (GRCh38, 1-based): chr15:40,471,506, G>A. VCF-style: chr15-40471506-G-A. GRCh37 (hg19) VCF-style: chr15-40763705-G-A.
Other names: short protein forms G98E.
Identifiers: ClinVar variation 1468512 (VCV001468512.7), dbSNP rs770839880, ClinGen allele CA7481575.